The following is an entry in ClinVar:

ClinVar aggregate classification (germline): Likely benign. Review status: criteria provided, single submitter (1 of 4 stars). 2 submissions from 2 submitters: Likely benign (1). 1 of the submissions does not count toward it. Last evaluated 2026-01-08.

Conditions:
PIEZO1-related disorder. Also called: PIEZO1-related condition; PIEZO1-Related Disorders.

Allele frequency attached by ClinVar (database versions not stated): gnomAD exomes 0.00009; gnomAD 0.00002; ExAC 0.00005; TOPMed 0.00005.
gnomAD v4.1: 163 of 1,549,808 alleles (0.011%); highest among the groups gnomAD compares: Non-Finnish European, 0.013%; no homozygotes.

Submissions (2):

Labcorp Genetics (formerly Invitae), Labcorp
Classification: Likely benign. Last evaluated: 2026-01-08. Review status: criteria provided, single submitter. Criteria: Invitae Variant Classification Sherloc (09022015). Collection method: clinical testing. Allele origin: germline.

PreventionGenetics, part of Exact Sciences
Classification: Likely benign for PIEZO1-related condition. Last evaluated: 2019-11-12. Review status: no assertion criteria provided. Collection method: clinical testing. Allele origin: germline. Not counted in ClinVar's aggregate classification.
Comment: This variant is classified as likely benign based on ACMG/AMP sequence variant interpretation guidelines (Richards et al. 2015 PMID: 25741868, with internal and published modifications).

NM_001142864.4(PIEZO1):c.2529C>T (p.Phe843=)

Genes: HSALR1 (HSP90AB1 associated lncRNA 1; plus strand), PIEZO1 (piezo type mechanosensitive ion channel component 1 (Er blood group); minus strand). Cytogenetic location: 16q24.3.
Variant type: single nucleotide variant.
Coding change: c.2529C>T on transcript NM_001142864.4 (MANE Select); coding-DNA position 2529, C replaced by T.
Protein change: p.Phe843=; no amino-acid change (phenylalanine 843 retained).
Molecular consequence: synonymous variant.
Genome position (GRCh38, 1-based): chr16:88,733,413, G>A on the plus strand (C>T on the coding strand, the complement: PIEZO1 is on the minus strand). VCF-style: chr16-88733413-G-A. GRCh37 (hg19) VCF-style: chr16-88799821-G-A.
Identifiers: ClinVar variation 743167 (VCV000743167.7), dbSNP rs761458395, ClinGen allele CA8232754.
Genomic context (GRCh38, chr16:88,733,413, plus strand): 5'-GCAGGTCCACACGGTGGACAGGCAGGAGGCCATGGGCCGGAAGCGTGGGTAGGGCAGGGC[G>A]AAGGCCCACAGCACCACCAGCAGCAGGTTCATCACCGACACCTGAGGGCAGTGGGCACGT-3'
Protein context (NP_001136336.2, residues 833-853): MNLLLVVLWA[Phe843=]ALPYPRFRPM